The following is an entry in ClinVar:

ClinVar aggregate classification (germline): Likely benign. Review status: criteria provided, multiple submitters, no conflicts (2 of 4 stars). 3 submissions from 3 submitters: Likely benign (2). 1 of the submissions does not count toward it. Last evaluated 2026-01-05.

Conditions:
ADAMTS18-related disorder. Also called: ADAMTS18-related condition.

Allele frequency attached by ClinVar (database versions not stated): 1000 Genomes Project 30x 0.00187; gnomAD 0.00217; TOPMed 0.00225; ESP Exome Variant Server 0.00262; ExAC 0.00054; 1000 Genomes Project 0.00160; gnomAD exomes 0.00020 and 0.00051.
gnomAD v4.1: 596 of 1,614,124 alleles (0.037%); highest among the groups gnomAD compares: African/African-American, 0.72%; 3 homozygotes.

Submissions (3):

Labcorp Genetics (formerly Invitae), Labcorp
Classification: Likely benign. Last evaluated: 2026-01-05. Review status: criteria provided, single submitter. Criteria: Invitae Variant Classification Sherloc (09022015). Collection method: clinical testing. Allele origin: germline.

Blueprint Genetics
Classification: Likely benign. Last evaluated: 2024-11-27. Review status: criteria provided, single submitter. Criteria: ACMG Guidelines, 2015. Collection method: clinical testing. Allele origin: germline.

PreventionGenetics, part of Exact Sciences
Classification: Benign for ADAMTS18-related condition. Last evaluated: 2019-09-12. Review status: no assertion criteria provided. Collection method: clinical testing. Allele origin: germline. Not counted in ClinVar's aggregate classification.
Comment: This variant is classified as benign based on ACMG/AMP sequence variant interpretation guidelines (Richards et al. 2015 PMID: 25741868, with internal and published modifications).

NM_199355.4(ADAMTS18):c.2868C>G (p.Ile956Met)

Gene: ADAMTS18 (ADAM metallopeptidase with thrombospondin type 1 motif 18; minus strand). Cytogenetic location: 16q23.1.
Variant type: single nucleotide variant.
Coding change: c.2868C>G on transcript NM_199355.4 (MANE Select); coding-DNA position 2868, C replaced by G.
Protein change: p.Ile956Met; replaces isoleucine 956 with methionine.
Molecular consequence: missense variant.
Genome position (GRCh38, 1-based): chr16:77,295,061, G>C on the plus strand (C>G on the coding strand, the complement: ADAMTS18 is on the minus strand). VCF-style: chr16-77295061-G-C. GRCh37 (hg19) VCF-style: chr16-77328958-G-C.
Other names: c.2352C>G, p.Ile784Met (NM_001326358.2); short protein forms I784M, I956M.
Identifiers: ClinVar variation 781227 (VCV000781227.14), dbSNP rs146728933, ClinGen allele CA8180709.